The following is an entry in ClinVar:

ClinVar aggregate classification (germline): Pathogenic (1 of 4 stars; one submission).

Conditions:
Multiple acyl-CoA dehydrogenase deficiency (MADD). Also called: ETHYLMALONIC-ADIPICACIDURIA; GA II; Glutaric aciduria, type 2; Glutaric acidemia type II; GA 2; Glutaric Acidemia type 2. Identifiers: Orphanet 26791, MedGen C0268596, MONDO:0009282, OMIM 231680.

Submission:

Labcorp Genetics (formerly Invitae), Labcorp
Classification: Pathogenic for Multiple acyl-CoA dehydrogenase deficiency. Last evaluated: 2024-02-17. Review status: criteria provided, single submitter. Criteria: Invitae Variant Classification Sherloc (09022015). Collection method: clinical testing. Allele origin: germline.
Comment: This sequence change creates a premature translational stop signal (p.Gly28Valfs*7) in the ETFB gene. It is expected to result in an absent or disrupted protein product. Loss-of-function variants in ETFB are known to be pathogenic (PMID: 16510302, 23785301). This variant is not present in population databases (gnomAD no frequency). This premature translational stop signal has been observed in individual(s) with glutaric acidemia type II (PMID: 18289905). This variant is also known as 80delC. For these reasons, this variant has been classified as Pathogenic.

Literature cited by the submitters: PubMed 16510302; PubMed 23785301; PubMed 18289905.

NM_001985.3(ETFB):c.81del (p.Gly28fs)

Gene: ETFB (electron transfer flavoprotein subunit beta; minus strand). Cytogenetic location: 19q13.41.
Variant type: Deletion.
Coding change: c.81del on transcript NM_001985.3 (MANE Select); coding-DNA position 81, one base deleted (C; older notation c.81delC).
Protein change: p.Gly28fs; shifts the reading frame from glycine 28.
Molecular consequence: frameshift variant.
Genome position (GRCh38, 1-based): chr19:51,354,285, G deleted on the plus strand (C on the coding strand, the reverse complement: ETFB is on the minus strand); the first of 2 consecutive G bases (chr19:51,354,285-51,354,286); deleting either gives the same sequence. VCF-style (leftmost placement, unchanged base first): chr19-51354284-CG-C. GRCh37 (hg19) VCF-style: chr19-51857538-CG-C.
Other names: c.354del, p.Gly119fs (NM_001014763.1); short protein forms G119fs, G28fs.
Identifiers: ClinVar variation 3723665 (VCV003723665.2).
Genomic context (GRCh38, chr19:51,354,284, plus strand): 5'-CCTCCACCGCGATCTCACAGAAGGGGTTCATGGAGTGCTTCACACCATCCGTGACCACAC[CG>C]GTCCTGTCAGGCTTCACTCGGATCTGCCCAGCAGGAGGGGAAGGGGTGGGGTCAGGAGGA-3'